The following is an entry in ClinVar:

ClinVar aggregate classification (germline): Uncertain significance. Review status: criteria provided, multiple submitters, no conflicts (2 of 4 stars). 3 submissions from 3 submitters: Uncertain significance (3). Last evaluated 2023-04-11.

Conditions:
Developmental and epileptic encephalopathy, 23 (DEE23). Also called: Epileptic encephalopathy, early infantile, 23. Identifiers: Orphanet 411986, MedGen C4014492, MONDO:0014371, OMIM 615859.

Allele frequency attached by ClinVar (database versions not stated): gnomAD 0.00001; TOPMed 0.00003; ExAC 0.00002.
gnomAD v4.1: 6 of 1,613,614 alleles (0.00037%); highest among the groups gnomAD compares: Admixed American, 0.0033%; no homozygotes.

Submissions (3):

Genome-Nilou Lab
Classification: Uncertain significance for Developmental and epileptic encephalopathy, 23. Last evaluated: 2023-04-11. Review status: criteria provided, single submitter. Criteria: ACMG Guidelines, 2015. Collection method: clinical testing. Allele origin: germline. Affected: no.

Labcorp Genetics (formerly Invitae), Labcorp
Classification: Uncertain significance for Developmental and epileptic encephalopathy, 23. Last evaluated: 2022-12-06. Review status: criteria provided, single submitter. Criteria: Invitae Variant Classification Sherloc (09022015). Collection method: clinical testing. Allele origin: germline.
Comment: In summary, the available evidence is currently insufficient to determine the role of this variant in disease. Therefore, it has been classified as a Variant of Uncertain Significance. This variant has not been reported in the literature in individuals affected with DOCK7-related conditions. ClinVar contains an entry for this variant (Variation ID: 445964). Advanced modeling of protein sequence and biophysical properties (such as structural, functional, and spatial information, amino acid conservation, physicochemical variation, residue mobility, and thermodynamic stability) has been performed at Invitae for this missense variant, however the output from this modeling did not meet the statistical confidence thresholds required to predict the impact of this variant on DOCK7 protein function. This sequence change replaces arginine, which is basic and polar, with glutamine, which is neutral and polar, at codon 760 of the DOCK7 protein (p.Arg760Gln). The frequency data for this variant in the population databases is considered unreliable, as metrics indicate poor data quality at this position in the gnomAD database.

Center for Pediatric Genomic Medicine, Children's Mercy Hospital and Clinics
Classification: Uncertain significance. Last evaluated: 2017-04-28. Review status: criteria provided, single submitter. Criteria: ACMG Guidelines, 2015. Collection method: clinical testing. Allele origin: germline.

NM_001367561.1(DOCK7):c.2279G>A (p.Arg760Gln)

Gene: DOCK7 (dedicator of cytokinesis 7; minus strand). Cytogenetic location: 1p31.3.
Variant type: single nucleotide variant.
Coding change: c.2279G>A on transcript NM_001367561.1 (MANE Select); coding-DNA position 2279, G replaced by A.
Protein change: p.Arg760Gln; replaces arginine 760 with glutamine.
Molecular consequence: missense variant.
Genome position (GRCh38, 1-based): chr1:62,559,141, C>T on the plus strand (G>A on the coding strand, the complement: DOCK7 is on the minus strand). VCF-style: chr1-62559141-C-T. GRCh37 (hg19) VCF-style: chr1-63024812-C-T.
Other names: c.2279G>A, p.Arg760Gln (NM_001271999.2, NM_001272000.2, NM_001272001.2 and 2 more transcripts); short protein forms R760Q.
Identifiers: ClinVar variation 445964 (VCV000445964.13), dbSNP rs775510896, ClinGen allele CA886307.